The following is an entry in ClinVar:

ClinVar aggregate classification (germline): Likely pathogenic. Review status: criteria provided, multiple submitters, no conflicts (2 of 4 stars). 3 submissions from 3 submitters: Likely pathogenic (2). 1 of the submissions does not count toward it. Last evaluated 2024-06-11.

Conditions:
Glucocorticoid deficiency with achalasia (AAAS). Also called: AAA syndrome; Allgrove syndrome; Addisonian achalasia syndrome; Achalasia-Addisonianism-Alacrima (Triple-A) Syndrome; ACTH-resistant adrenal insufficiency, achalasia and alacrima; Glucocorticoid deficiency and achalasia. Identifiers: Orphanet 869, MedGen C0271742, MONDO:0009279, OMIM 231550.

Allele frequency attached by ClinVar (database versions not stated): gnomAD 0.00001; TOPMed 0.00002.

Submissions (3):

Fulgent Genetics
Classification: Likely pathogenic for Glucocorticoid deficiency with achalasia. Last evaluated: 2024-06-11. Review status: criteria provided, single submitter. Criteria: ACMG Guidelines, 2015. Collection method: clinical testing. Allele origin: germline.

Women's Health and Genetics/Laboratory Corporation of America, LabCorp
Classification: Likely pathogenic for Glucocorticoid deficiency with achalasia. Last evaluated: 2024-06-05. Review status: criteria provided, single submitter. Criteria: LabCorp Variant Classification Summary - May 2015. Collection method: clinical testing. Allele origin: germline.
Comment: Variant summary: AAAS c.938T>C (p.Val313Ala) results in a non-conservative amino acid change located in the WD-repeat domain (Cronshaw_2003) of the encoded protein sequence. Five of five in-silico tools predict a damaging effect of the variant on protein function. Consensus agreement among computation tools predict no significant impact on normal splicing. However, these predictions have yet to be confirmed by functional studies. The variant was absent in 251494 control chromosomes.c.938T>C has been reported in the literature as a biallelic genotype in individuals affected with Glucocorticoid Deficiency With Achalasia (AAA syndrome) (example, Houlden_2002, de Freitas_2018). These data indicate that the variant is likely to be associated with disease. At least two publications report experimental evidence evaluating an impact on protein function reporting subcellular mislocalization of the mutant proteins within the cytoplasm (example, Krumbholz_2006, Cronshaw_2003). The following publications have been ascertained in the context of this evaluation (PMID: 30069287, 12730363, 12429595, 16609705). ClinVar contains an entry for this variant (Variation ID: 202169). Based on the evidence outlined above, the variant was classified as likely pathogenic.

Mendelics
Classification: Pathogenic for Glucocorticoid deficiency with achalasia. Last evaluated: 2016-05-13. Review status: no assertion criteria provided. Collection method: clinical testing. Allele origin: unknown. Affected: yes. Not counted in ClinVar's aggregate classification.

Literature cited by the submitters: PubMed 12429595 (cited by Women's Health and Genetics/Laboratory Corporation of America, LabCorp); PubMed 16609705 (cited by Women's Health and Genetics/Laboratory Corporation of America, LabCorp); PubMed 12730363 (cited by Women's Health and Genetics/Laboratory Corporation of America, LabCorp); PubMed 30069287 (cited by Women's Health and Genetics/Laboratory Corporation of America, LabCorp); PubMed 12752575 (cited by Mendelics).

NM_015665.6(AAAS):c.938T>C (p.Val313Ala)

Gene: AAAS (aladin WD repeat nucleoporin; minus strand). Cytogenetic location: 12q13.13.
Variant type: single nucleotide variant.
Coding change: c.938T>C on transcript NM_015665.6 (MANE Select); coding-DNA position 938, T replaced by C.
Protein change: p.Val313Ala; replaces valine 313 with alanine.
Molecular consequence: missense variant.
Genome position (GRCh38, 1-based): chr12:53,309,018, A>G on the plus strand (T>C on the coding strand, the complement: AAAS is on the minus strand). VCF-style: chr12-53309018-A-G. GRCh37 (hg19) VCF-style: chr12-53702802-A-G.
Other names: c.839T>C, p.Val280Ala (NM_001173466.2); short protein forms V313A, V280A.
Identifiers: ClinVar variation 202169 (VCV000202169.4), dbSNP rs773601814, ClinGen allele CA203842.